The following is an entry in ClinVar:

NM_003924.4(PHOX2B):c.340G>A (p.Glu114Lys)

Gene: PHOX2B (paired like homeobox 2B; minus strand). Cytogenetic location: 4p13.
Variant type: single nucleotide variant.
Coding change: c.340G>A on transcript NM_003924.4 (MANE Select); coding-DNA position 340, G replaced by A.
Protein change: p.Glu114Lys; replaces glutamic acid 114 with lysine.
Molecular consequence: missense variant.
Genome position (GRCh38, 1-based): chr4:41,747,438, C>T on the plus strand (G>A on the coding strand, the complement: PHOX2B is on the minus strand). VCF-style: chr4-41747438-C-T. GRCh37 (hg19) VCF-style: chr4-41749455-C-T.
Other names: short protein forms E114K.
Identifiers: ClinVar variation 5026615 (VCV005026615.1).

ClinVar aggregate classification (germline): Uncertain significance (1 of 4 stars; one submission).

Conditions:
Hereditary cancer-predisposing syndrome. Also called: Neoplastic Syndromes, Hereditary; Tumor predisposition; Hereditary neoplastic syndrome; Hereditary Cancer Syndrome. Identifiers: Orphanet 140162, MedGen C0027672, MeSH D009386, MONDO:0015356.

Submission:

Ambry Genetics
Classification: Uncertain significance for Hereditary cancer-predisposing syndrome. Last evaluated: 2026-07-07. Review status: criteria provided, single submitter. Criteria: Ambry Variant Classification Scheme 2023. Collection method: clinical testing. Allele origin: germline.
Comment: The p.E114K variant (also known as c.340G>A), located in coding exon 2 of the PHOX2B gene, results from a G to A substitution at nucleotide position 340. The glutamic acid at codon 114 is replaced by lysine, an amino acid with similar properties. This amino acid position is conserved. In addition, this alteration is predicted to be deleterious by in silico analysis. Based on the available evidence, the clinical significance of this variant remains unclear.